The following is an entry in ClinVar:

NM_016373.4(WWOX):c.1079T>G (p.Val360Gly)

Genes: MAF (MAF bZIP transcription factor; minus strand), WWOX (WW domain containing oxidoreductase; plus strand). Cytogenetic location: 16q23.2.
Variant type: single nucleotide variant.
Coding change: c.1079T>G on transcript NM_016373.4 (MANE Select); coding-DNA position 1079, T replaced by G.
Protein change: p.Val360Gly; replaces valine 360 with glycine.
Molecular consequence: missense variant.
Genome position (GRCh38, 1-based): chr16:79,211,630, T>G. VCF-style: chr16-79211630-T-G. GRCh37 (hg19) VCF-style: chr16-79245527-T-G.
Other names: c.740T>G, p.Val247Gly (NM_001291997.2); short protein forms V247G, V360G.
Identifiers: ClinVar variation 3600615 (VCV003600615.2).

ClinVar aggregate classification (germline): Uncertain significance (1 of 4 stars; one submission).

gnomAD v4.1: 8 of 1,614,088 alleles (0.0005%); highest among the groups gnomAD compares: Non-Finnish European, 0.00017%; no homozygotes.

Submission:

GeneDx
Classification: Uncertain significance. Last evaluated: 2025-12-18. Review status: criteria provided, single submitter. Criteria: GeneDx Variant Classification Process June 2021. Collection method: clinical testing. Allele origin: germline. Affected: yes.
Comment: In silico analysis supports that this missense variant has a deleterious effect on protein structure/function; Has not been previously published as pathogenic or benign to our knowledge